The following is an entry in ClinVar:

NM_000352.6(ABCC8):c.2297G>C (p.Arg766Thr)

Genes: ABCC8 (ATP binding cassette subfamily C member 8; minus strand), LOC110121471 (VISTA enhancer hs1977; plus strand). Cytogenetic location: 11p15.1.
Variant type: single nucleotide variant.
Coding change: c.2297G>C on transcript NM_000352.6 (MANE Select); coding-DNA position 2297, G replaced by C.
Protein change: p.Arg766Thr; replaces arginine 766 with threonine.
Molecular consequence: missense variant. On other transcripts: non-coding transcript variant (1).
Genome position (GRCh38, 1-based): chr11:17,414,605, C>G on the plus strand (G>C on the coding strand, the complement: ABCC8 is on the minus strand). VCF-style: chr11-17414605-C-G. GRCh37 (hg19) VCF-style: chr11-17436152-C-G.
Other names: c.2300G>C, p.Arg767Thr (NM_001287174.3); c.2363G>C, p.Arg788Thr (NM_001351295.2); c.2297G>C, p.Arg766Thr (NM_001351296.2); c.2294G>C, p.Arg765Thr (NM_001351297.2); short protein forms R765T, R766T, R767T, R788T.
Identifiers: ClinVar variation 4070837 (VCV004070837.2).
Genomic context (GRCh38, chr11:17,414,605, plus strand): 5'-TTCTCCTCCACAGTGGCATTTAGCAGCCATGGTTTCTGCGAAGCATAGGCCACGGGGCCT[C>G]TCTTCCTGGAAAAAGCAGGGCGGGAGTAGGGGGTGCGGAAGGCATTCTCAGGGGCTTGTT-3'
Protein context (NP_000343.2, residues 756-776): ETATDLDIRK[Arg766Thr]GPVAYASQKP

ClinVar aggregate classification (germline): Uncertain significance (1 of 4 stars; one submission).

Submission:

GeneDx
Classification: Uncertain significance. Last evaluated: 2025-10-08. Review status: criteria provided, single submitter. Criteria: GeneDx Variant Classification Process June 2021. Collection method: clinical testing. Allele origin: germline.
Comment: Not observed at significant frequency in large population cohorts (gnomAD); In silico analysis supports that this missense variant has a deleterious effect on protein structure/function; Has not been previously published as pathogenic or benign to our knowledge